The following is an entry in ClinVar:

ClinVar aggregate classification (germline): Uncertain significance (1 of 4 stars; one submission).

Submission:

Women's Health and Genetics/Laboratory Corporation of America, LabCorp
Classification: Uncertain significance. Last evaluated: 2026-02-20. Review status: criteria provided, single submitter. Criteria: LabCorp Variant Classification Summary - May 2015. Collection method: clinical testing. Allele origin: germline.
Comment: Variant summary: PKD1 c.641G>C (p.Cys214Ser) results in a non-conservative amino acid change in the encoded protein sequence. Algorithms developed to predict the effect of missense changes on protein structure and function all suggest that this variant is likely to be disruptive. The variant was absent in 133792 control chromosomes. The available data on variant occurrences in the general population are insufficient to allow any conclusion about variant significance. To our knowledge, no occurrence of c.641G>C in individuals affected with PKD1-related conditions and no experimental evidence demonstrating its impact on protein function have been reported. ClinVar contains an entry for this variant (Variation ID: 2506233). Based on the evidence outlined above, the variant was classified as uncertain significance.

NM_001009944.3(PKD1):c.641G>C (p.Cys214Ser)

Gene: PKD1 (polycystin 1, transient receptor potential channel interacting; minus strand). Cytogenetic location: 16p13.3.
Variant type: single nucleotide variant.
Coding change: c.641G>C on transcript NM_001009944.3 (MANE Select); coding-DNA position 641, G replaced by C.
Protein change: p.Cys214Ser; replaces cysteine 214 with serine.
Molecular consequence: missense variant.
Genome position (GRCh38, 1-based): chr16:2,118,351, C>G on the plus strand (G>C on the coding strand, the complement: PKD1 is on the minus strand). VCF-style: chr16-2118351-C-G. GRCh37 (hg19) VCF-style: chr16-2168352-C-G.
Other names: c.641G>C, p.Cys214Ser (NM_000296.4); short protein forms C214S.
Identifiers: ClinVar variation 2506233 (VCV002506233.3), dbSNP rs1596590574, ClinGen allele CA394394741.